The following is an entry in ClinVar:

ClinVar aggregate classification (germline): Uncertain significance. Review status: criteria provided, multiple submitters, no conflicts (2 of 4 stars). 2 submissions from 2 submitters: Uncertain significance (2). Last evaluated 2026-02-01.

Conditions:
Combined immunodeficiency due to DOCK8 deficiency (HIES2). Also called: HIES autosomal recessive; DOCK8 Deficiency; Hyper-IgE recurrent infection syndrome, autosomal recessive; HYPER-IgE RECURRENT INFECTION SYNDROME 2, AUTOSOMAL RECESSIVE; HYPER-IgE SYNDROME 2, AUTOSOMAL RECESSIVE, WITH RECURRENT INFECTIONS. Identifiers: Orphanet 217390, MedGen C4722305, MONDO:0009478, OMIM 243700.

Allele frequency attached by ClinVar (database versions not stated): ExAC 0.00005; gnomAD 0.00006; ESP Exome Variant Server 0.00008; TOPMed 0.00010.
gnomAD v4.1: 168 of 1,612,112 alleles (0.01%); highest among the groups gnomAD compares: Non-Finnish European, 0.013%; no homozygotes.

Submissions (2):

Labcorp Genetics (formerly Invitae), Labcorp
Classification: Uncertain significance for Combined immunodeficiency due to DOCK8 deficiency. Last evaluated: 2026-02-01. Review status: criteria provided, single submitter. Criteria: Invitae Variant Classification Sherloc (09022015). Collection method: clinical testing. Allele origin: germline.
Comment: This sequence change replaces aspartic acid, which is acidic and polar, with asparagine, which is neutral and polar, at codon 249 of the DOCK8 protein (p.Asp249Asn). This variant is present in population databases (rs202110964, gnomAD 0.02%). This variant has not been reported in the literature in individuals affected with DOCK8-related conditions. ClinVar contains an entry for this variant (Variation ID: 1019452). Invitae Evidence Modeling of protein sequence and biophysical properties (such as structural, functional, and spatial information, amino acid conservation, physicochemical variation, residue mobility, and thermodynamic stability) indicates that this missense variant is expected to disrupt DOCK8 protein function with a positive predictive value of 80%. In summary, the available evidence is currently insufficient to determine the role of this variant in disease. Therefore, it has been classified as a Variant of Uncertain Significance.

Genetic Services Laboratory, University of Chicago
Classification: Uncertain significance. Last evaluated: 2021-03-05. Review status: criteria provided, single submitter. Criteria: ACMG Guidelines, 2015. Collection method: clinical testing. Allele origin: germline. Affected: no.
Comment: This sequence change does not appear to have been previously described in patients with DOCK8-related disorders and has been described in the gnomAD database with a low population frequency of 0.0095% (dbSNP rs202110964). The p.Asp249Asn change affects a moderately conserved amino acid residue located in a domain of the DOCK8 protein that is not known to be functional. In-silico pathogenicity prediction tools (SIFT, PolyPhen2, Align GVGD, REVEL) provide contradictory results for the p.Asp249Asn substitution. Due to these contrasting evidences and the lack of functional studies, the clinical significance of the p.Asp249Asn change remains unknown at this time.

NM_203447.4(DOCK8):c.745G>A (p.Asp249Asn)

Gene: DOCK8 (dedicator of cytokinesis 8; plus strand). Cytogenetic location: 9p24.3.
Variant type: single nucleotide variant.
Coding change: c.745G>A on transcript NM_203447.4 (MANE Select); coding-DNA position 745, G replaced by A.
Protein change: p.Asp249Asn; replaces aspartic acid 249 with asparagine.
Molecular consequence: missense variant.
Genome position (GRCh38, 1-based): chr9:317,046, G>A. VCF-style: chr9-317046-G-A. GRCh37 (hg19) VCF-style: chr9-317046-G-A.
Other names: c.541G>A, p.Asp181Asn (NM_001190458.2, NM_001193536.2); short protein forms D181N, D249N.
Identifiers: ClinVar variation 1019452 (VCV001019452.8), dbSNP rs202110964, ClinGen allele CA4957441.